The following is an entry in ClinVar:

ClinVar aggregate classification (germline): Likely benign. Review status: criteria provided, multiple submitters, no conflicts (2 of 4 stars). 2 submissions from 2 submitters: Likely benign (2). Last evaluated 2025-02-05.

Conditions:
POLD1-related polyposis and colorectal cancer syndrome (CRCS10). Also called: Colorectal cancer 10; COLORECTAL CANCER, SUSCEPTIBILITY TO, ON CHROMOSOME 19q; Colorectal cancer, susceptibility to, 10. Identifiers: Orphanet 220460, MedGen C2675481, MONDO:0012953, OMIM 612591.

Submissions (2):

Myriad Genetics, Inc.
Classification: Likely benign for POLD1-related polyposis and colorectal cancer syndrome. Last evaluated: 2025-02-05. Review status: criteria provided, single submitter. Criteria: Myriad Autosomal Dominant, Autosomal Recessive and X-Linked Classification Criteria (2023). Collection method: clinical testing. Allele origin: unknown.
Comment: This variant is considered likely benign. This variant is intronic and is not expected to impact mRNA splicing.

Labcorp Genetics (formerly Invitae), Labcorp
Classification: Likely benign for POLD1-related polyposis and colorectal cancer syndrome. Last evaluated: 2024-02-17. Review status: criteria provided, single submitter. Criteria: Invitae Variant Classification Sherloc (09022015). Collection method: clinical testing. Allele origin: germline.

NM_002691.4(POLD1):c.1242+8C>G

Gene: POLD1 (DNA polymerase delta 1, catalytic subunit; plus strand). Cytogenetic location: 19q13.33.
Variant type: single nucleotide variant.
Coding change: c.1242+8C>G on transcript NM_002691.4 (MANE Select); 8 bases into the intron after coding-DNA position 1242, C replaced by G.
Molecular consequence: intron variant.
Genome position (GRCh38, 1-based): chr19:50,403,605, C>G. VCF-style: chr19-50403605-C-G. GRCh37 (hg19) VCF-style: chr19-50906862-C-G.
Other names: c.1242+8C>G (NM_001256849.1, NM_001308632.1).
Identifiers: ClinVar variation 999977 (VCV000999977.9), dbSNP rs2038752742, ClinGen allele CA2340883537.